The following is an entry in ClinVar:

ClinVar aggregate classification (germline): Uncertain significance. Review status: criteria provided, multiple submitters, no conflicts (2 of 4 stars). 2 submissions from 2 submitters: Uncertain significance (2). Last evaluated 2024-10-07.

Submissions (2):

GeneDx
Classification: Uncertain significance. Last evaluated: 2024-10-07. Review status: criteria provided, single submitter. Criteria: GeneDx Variant Classification Process June 2021. Collection method: clinical testing. Allele origin: germline. Affected: yes.
Comment: Not observed in large population cohorts (gnomAD); In silico analysis supports that this missense variant does not alter protein structure/function; Has not been previously published as pathogenic or benign to our knowledge

Blueprint Genetics
Classification: Uncertain significance. Last evaluated: 2021-03-25. Review status: criteria provided, single submitter. Criteria: ACMG Guidelines, 2015. Collection method: clinical testing. Allele origin: germline.

NM_001127453.2(GSDME):c.266G>A (p.Ser89Asn)

Gene: GSDME (gasdermin E; minus strand). Cytogenetic location: 7p15.3.
Variant type: single nucleotide variant.
Coding change: c.266G>A on transcript NM_001127453.2 (MANE Select); coding-DNA position 266, G replaced by A.
Protein change: p.Ser89Asn; replaces serine 89 with asparagine.
Molecular consequence: missense variant. On other transcripts: 5 prime UTR variant (1).
Genome position (GRCh38, 1-based): chr7:24,744,700, C>T on the plus strand (G>A on the coding strand, the complement: GSDME is on the minus strand). VCF-style: chr7-24744700-C-T. GRCh37 (hg19) VCF-style: chr7-24784319-C-T.
Other names: c.-227G>A (NM_001127454.2); c.266G>A, p.Ser89Asn (NM_004403.3); short protein forms S89N.
Identifiers: ClinVar variation 3777335 (VCV003777335.2).